The following is an entry in ClinVar:

NM_022463.5(NXN):c.688G>C (p.Glu230Gln)

Gene: NXN (nucleoredoxin; minus strand). Cytogenetic location: 17p13.3.
Variant type: single nucleotide variant.
Coding change: c.688G>C on transcript NM_022463.5 (MANE Select); coding-DNA position 688, G replaced by C.
Protein change: p.Glu230Gln; replaces glutamic acid 230 with glutamine.
Molecular consequence: missense variant.
Genome position (GRCh38, 1-based): chr17:822,382, C>G on the plus strand (G>C on the coding strand, the complement: NXN is on the minus strand). VCF-style: chr17-822382-C-G. GRCh37 (hg19) VCF-style: chr17-725622-C-G.
Other names: c.364G>C, p.Glu122Gln (NM_001205319.1); short protein forms E122Q, E230Q.
Identifiers: ClinVar variation 1502759 (VCV001502759.3), dbSNP rs1442416840, ClinGen allele CA397492198.

ClinVar aggregate classification (germline): Uncertain significance (1 of 4 stars; one submission).

Submission:

Labcorp Genetics (formerly Invitae), Labcorp
Classification: Uncertain significance. Last evaluated: 2022-07-05. Review status: criteria provided, single submitter. Criteria: Invitae Variant Classification Sherloc (09022015). Collection method: clinical testing. Allele origin: germline.
Comment: This sequence change replaces glutamic acid, which is acidic and polar, with glutamine, which is neutral and polar, at codon 230 of the NXN protein (p.Glu230Gln). This variant is not present in population databases (gnomAD no frequency). This variant has not been reported in the literature in individuals affected with NXN-related conditions. ClinVar contains an entry for this variant (Variation ID: 1502759). Algorithms developed to predict the effect of missense changes on protein structure and function are either unavailable or do not agree on the potential impact of this missense change (SIFT: "Deleterious"; PolyPhen-2: "Probably Damaging"; Align-GVGD: "Class C0"). In summary, the available evidence is currently insufficient to determine the role of this variant in disease. Therefore, it has been classified as a Variant of Uncertain Significance.